The following continues an entry in ClinVar:

NM_000492.4(CFTR):c.328G>C (p.Asp110His)

Gene: CFTR. ClinVar aggregate classification (germline): Pathogenic; drug response. Pathogenic (1).

Submissions 12 to 23 of 23:

Johns Hopkins Genomics, Johns Hopkins University
Classification: Pathogenic for Cystic fibrosis. Last evaluated: 2022-12-27. Review status: criteria provided, single submitter. Criteria: ACMG Guidelines, 2015. Collection method: clinical testing. Allele origin: germline. Not counted in ClinVar's aggregate classification.
Comment: Disease-causing CFTR variant. See CFTR2 for phenotype information.

Mendelics
Classification: Pathogenic for Hereditary pancreatitis. Last evaluated: 2022-05-04. Review status: criteria provided, single submitter. Criteria: Mendelics Assertion Criteria 2019. Collection method: clinical testing. Allele origin: germline. Not counted in ClinVar's aggregate classification.

Genome-Nilou Lab
Classification: Pathogenic for Cystic fibrosis. Last evaluated: 2021-07-22. Review status: criteria provided, single submitter. Criteria: ACMG Guidelines, 2015. Collection method: clinical testing. Allele origin: germline. Affected: no. Not counted in ClinVar's aggregate classification.

Genome Diagnostics Laboratory, The Hospital for Sick Children
Classification: Pathogenic for Cystic fibrosis. Last evaluated: 2019-08-20. Review status: criteria provided, single submitter. Criteria: ACMG Guidelines, 2015. Collection method: clinical testing. Allele origin: germline. Not counted in ClinVar's aggregate classification.

CFTR-France
Classification: Pathogenic for cystic fibrosis; CFTR-related disorders. Last evaluated: 2018-01-29. Review status: criteria provided, single submitter. Criteria: Claustres M et al. (Hum Mutat 2017). Collection method: curation. Allele origin: germline. Affected: yes. Not counted in ClinVar's aggregate classification.
Comment: when the variant is in trans with another CF-causing variation, can either result in CF or in a CFTR-RD

Women's Health and Genetics/Laboratory Corporation of America, LabCorp
Classification: Pathogenic. Last evaluated: 2017-11-20. Review status: criteria provided, single submitter. Criteria: LabCorp Variant Classification Summary - May 2015. Collection method: clinical testing. Allele origin: germline. Not counted in ClinVar's aggregate classification.
Comment: Variant summary: The CFTR c.328G>C (p.Asp110His) variant involves the alteration of a conserved nucleotide that is located in the ABC transporter type 1, transmembrane domain (InterPro). 5/5 in silico tools predict a damaging outcome for this variant. This variant was found in 5/245956 control chromosomes at a frequency of 0.0000203, which does not exceed the estimated maximal expected allele frequency of a pathogenic CFTR variant (0.0129603). Compound heterozygotes and homozygotes for this variant have been found in numerous patients with CBAVD, CF, and in pt with clinical findings suggestive of CF. A functional study showed that baseline chloride transport in CFTR-D110H transfected FRT cells was 9.1% of that in WT-CFTR transfected FRT cells (Van Goor_2013), indicating that D110H significantly affects normal function of CFTR. In addition, multiple clinical diagnostic laboratories/reputable databases classified this variant as pathogenic. Taken together, this variant is classified as pathogenic.

Baylor Genetics
Classification: Pathogenic for Congenital bilateral aplasia of vas deferens from CFTR mutation; Cystic fibrosis. Review status: criteria provided, single submitter. Criteria: ACMG Guidelines, 2015. Collection method: clinical testing. Allele origin: germline. Not counted in ClinVar's aggregate classification.

Kariminejad - Najmabadi Pathology & Genetics Center
Classification: Pathogenic for Cystic fibrosis. Review status: criteria provided, single submitter. Criteria: ACMG Guidelines, 2015. Collection method: clinical testing. Allele origin: germline. Affected: no. Not counted in ClinVar's aggregate classification.

Genome Diagnostics Laboratory, The Hospital for Sick Children
Classification: Pathogenic for CFTR-related disorders. Last evaluated: 2019-08-20. Review status: no assertion criteria provided. Collection method: clinical testing. Allele origin: germline. Not counted in ClinVar's aggregate classification.

Counsyl
Classification: Likely pathogenic for Cystic fibrosis. Last evaluated: 2014-12-05. Review status: no assertion criteria provided. Collection method: literature only. Allele origin: unknown. Inheritance: Autosomal recessive inheritance. Not counted in ClinVar's aggregate classification.

OMIM
Classification: Pathogenic for CYSTIC FIBROSIS. Last evaluated: 1991-01-01. Review status: no assertion criteria provided. Collection method: literature only. Allele origin: germline. Not counted in ClinVar's aggregate classification.

SNPedia
No classification provided. Review status: no classification provided. Collection method: not provided. Allele origin: germline. Not counted in ClinVar's aggregate classification.

Literature cited by the submitters: PubMed 23891399 (cited by 6 submitters); PubMed 11278813 (cited by 4 submitters); PubMed 10790222 (cited by Otogenetics and Ambry Genetics); PubMed 15070876 (cited by Otogenetics); PubMed 17329263 (cited by Otogenetics); PubMed 22724884 (cited by 3 submitters); PubMed 25910067 (cited by Otogenetics); PubMed 31672438 (cited by Otogenetics); PubMed 10875853 (cited by 3billion); PubMed 2344617 (cited by 5 submitters); PubMed 9272157 (cited by 3 submitters); PubMed 18373402 (cited by Labcorp Genetics (formerly Invitae), Labcorp and Counsyl); PubMed 19897426 (cited by Labcorp Genetics (formerly Invitae), Labcorp); PubMed 20059485 (cited by Labcorp Genetics (formerly Invitae), Labcorp); PubMed 20949073 (cited by Labcorp Genetics (formerly Invitae), Labcorp); PubMed 23974870 (cited by 4 submitters); PubMed 29850441 (cited by Natera, Inc.); PubMed 12167682 (cited by Natera, Inc.); PubMed 36319933 (cited by Natera, Inc.); PubMed 4814176 (cited by Natera, Inc.); PubMed 16436643 (cited by Women's Health and Genetics/Laboratory Corporation of America, LabCorp and Counsyl); PubMed 15371907 (cited by Women's Health and Genetics/Laboratory Corporation of America, LabCorp and Counsyl); PubMed 1376016 (cited by Women's Health and Genetics/Laboratory Corporation of America, LabCorp); PubMed 23420618 (cited by Women's Health and Genetics/Laboratory Corporation of America, LabCorp and Counsyl); PubMed 23276700 (cited by Women's Health and Genetics/Laboratory Corporation of America, LabCorp and Counsyl); PubMed 15084222 (cited by Counsyl); PubMed 12752573 (cited by Counsyl); PubMed 10719683 (cited by Counsyl); PubMed 22043142 (cited by Counsyl); PubMed 12439892 (cited by Counsyl); PubMed 18456578 (cited by Counsyl); PubMed 22504961 (cited by Counsyl); PubMed 23857699 (cited by Counsyl); PubMed 15638824 (cited by Counsyl); PubMed 11446424 (cited by Counsyl); PubMed 25024266 (cited by Counsyl); PubMed 9521595 (cited by Counsyl); PubMed 2565038 (cited by OMIM); PubMed 1937486 (cited by OMIM).